The following is an entry in ClinVar:

ClinVar aggregate classification (germline): Pathogenic (1 of 4 stars; one submission).

Submission:

Ambry Genetics
Classification: Pathogenic. Last evaluated: 2026-05-29. Review status: criteria provided, single submitter. Criteria: Ambry Variant Classification Scheme 2023. Collection method: clinical testing. Allele origin: germline.
Comment: The c.3539_3546dupGTTTCACC pathogenic mutation, located in coding exon 4 of the MLH3 gene, results from a duplication of GTTTCACC at nucleotide position 3539, causing a translational frameshift with a predicted alternate stop codon (p.K1183Vfs*6). This variant is considered to be rare based on population cohorts in the Genome Aggregation Database (gnomAD). This alteration is expected to result in loss of function by premature protein truncation or nonsense-mediated mRNA decay. As such, this alteration is interpreted as a disease-causing mutation.

NM_001040108.2(MLH3):c.3539_3546dup (p.Lys1183fs)

Gene: MLH3 (mutL homolog 3; minus strand). Cytogenetic location: 14q24.3.
Variant type: Duplication.
Coding change: c.3539_3546dup on transcript NM_001040108.2 (MANE Select); coding-DNA positions 3539 to 3546, 8 bases duplicated (GTTTCACC; older notation c.3539_3546dupGTTTCACC).
Protein change: p.Lys1183fs; shifts the reading frame from lysine 1183.
Molecular consequence: frameshift variant.
Genome position (GRCh38, 1-based): chr14:75,039,935-75,039,942, GGTGAAAC duplicated on the plus strand (GTTTCACC on the coding strand, the reverse complement: MLH3 is on the minus strand); duplicating any 8 consecutive bases within chr14:75,039,935-75,039,943 gives the same sequence; the c. name uses the placement nearest the transcript's 3' end. VCF-style (leftmost placement, unchanged base first): chr14-75039934-T-TGGTGAAAC. GRCh37 (hg19) VCF-style: chr14-75506637-T-TGGTGAAAC.
Other names: c.3539_3546dupGTTTCACC (NM_001040108.1); c.3539_3546dup, p.Lys1183fs (NM_014381.3); short protein forms K1183fs.
Identifiers: ClinVar variation 2625668 (VCV002625668.3), dbSNP rs2503195154, ClinGen allele CA2582341762.